The following is an entry in ClinVar:

ClinVar aggregate classification (germline): Uncertain significance. Review status: criteria provided, multiple submitters, no conflicts (2 of 4 stars). 3 submissions from 3 submitters: Uncertain significance (3). Last evaluated 2025-07-03.

Allele frequency attached by ClinVar (database versions not stated): gnomAD 0.00005; TOPMed 0.00005; gnomAD exomes 0.00006 and 0.00007; ExAC 0.00008; ESP Exome Variant Server 0.00008.

Submissions (3):

Ambry Genetics
Classification: Uncertain significance. Last evaluated: 2025-07-03. Review status: criteria provided, single submitter. Criteria: Ambry Variant Classification Scheme 2023. Collection method: clinical testing. Allele origin: germline.

Labcorp Genetics (formerly Invitae), Labcorp
Classification: Uncertain significance. Last evaluated: 2025-02-25. Review status: criteria provided, single submitter. Criteria: Invitae Variant Classification Sherloc (09022015). Collection method: clinical testing. Allele origin: germline.
Comment: This sequence change replaces glycine, which is neutral and non-polar, with arginine, which is basic and polar, at codon 332 of the ZNF513 protein (p.Gly332Arg). This variant is present in population databases (rs150456757, gnomAD 0.01%). This variant has not been reported in the literature in individuals affected with ZNF513-related conditions. ClinVar contains an entry for this variant (Variation ID: 960640). An algorithm developed to predict the effect of missense changes on protein structure and function (PolyPhen-2) suggests that this variant is likely to be disruptive. In summary, the available evidence is currently insufficient to determine the role of this variant in disease. Therefore, it has been classified as a Variant of Uncertain Significance.

Blueprint Genetics
Classification: Uncertain significance. Last evaluated: 2024-10-10. Review status: criteria provided, single submitter. Criteria: ACMG Guidelines, 2015. Collection method: clinical testing. Allele origin: germline.

NM_144631.6(ZNF513):c.994G>A (p.Gly332Arg)

Gene: ZNF513 (zinc finger protein 513; minus strand). Cytogenetic location: 2p23.3.
Variant type: single nucleotide variant.
Coding change: c.994G>A on transcript NM_144631.6 (MANE Select); coding-DNA position 994, G replaced by A.
Protein change: p.Gly332Arg; replaces glycine 332 with arginine.
Molecular consequence: missense variant.
Genome position (GRCh38, 1-based): chr2:27,378,177, C>T on the plus strand (G>A on the coding strand, the complement: ZNF513 is on the minus strand). VCF-style: chr2-27378177-C-T. GRCh37 (hg19) VCF-style: chr2-27601044-C-T.
Other names: c.808G>A, p.Gly270Arg (NM_001201459.2); short protein forms G332R, G270R.
Identifiers: ClinVar variation 960640 (VCV000960640.11), dbSNP rs150456757, ClinGen allele CA1577882.